The following is an entry in ClinVar:

NM_017576.4(KIF27):c.3186T>A (p.Ile1062=)

Gene: KIF27 (kinesin family member 27; minus strand). Cytogenetic location: 9q21.32.
Variant type: single nucleotide variant.
Coding change: c.3186T>A on transcript NM_017576.4 (MANE Select); coding-DNA position 3186, T replaced by A.
Protein change: p.Ile1062=; no amino-acid change (isoleucine 1062 retained).
Molecular consequence: synonymous variant.
Genome position (GRCh38, 1-based): chr9:83,853,800, A>T on the plus strand (T>A on the coding strand, the complement: KIF27 is on the minus strand). VCF-style: chr9-83853800-A-T. GRCh37 (hg19) VCF-style: chr9-86468715-A-T.
Other names: c.2988T>A, p.Ile996= (NM_001271927.3); c.2895T>A, p.Ile965= (NM_001271928.3); c.2793T>A, p.Ile931= (NM_001354069.2); c.1746T>A, p.Ile582= (NM_001354070.2); c.1530T>A, p.Ile510= (NM_001354071.2).
Identifiers: ClinVar variation 403012 (VCV000403012.5), dbSNP rs295274, ClinGen allele CA5102662.

ClinVar aggregate classification (germline): Benign. Review status: criteria provided, multiple submitters, no conflicts (2 of 4 stars). 2 submissions from 2 submitters: Benign (2). Last evaluated 2016-03-29.

Allele frequency attached by ClinVar (database versions not stated): gnomAD exomes 0.64156; 1000 Genomes Project 0.65315; 1000 Genomes Project 30x 0.65459; TOPMed 0.66342; ESP Exome Variant Server 0.69591.
gnomAD v4.1: 1,039,001 of 1,611,514 alleles (64%); highest among the groups gnomAD compares: African/African-American, 81%; 338,568 homozygotes.

Submissions (2):

Laboratory for Molecular Medicine, Mass General Brigham Personalized Medicine
Classification: Benign. Last evaluated: 2016-03-29. Review status: criteria provided, single submitter. Criteria: LMM Criteria. Collection method: clinical testing. Allele origin: germline.
Comment: Variant identified in a genome or exome case(s) and assessed due to predicted null impact of the variant or pathogenic assertions in the literature or databases. Disclaimer: This variant has not undergone full assessment. The following are preliminary notes: Frequency

Breakthrough Genomics
Classification: Benign. Review status: criteria provided, single submitter. Criteria: ACMG Guidelines, 2015. Collection method: not provided. Allele origin: germline. Inheritance: Unknown mechanism. Affected: yes.